The following is an entry in ClinVar:

NM_022436.3(ABCG5):c.1398C>T (p.Ala466=)

Genes: ABCG5 (ATP binding cassette subfamily G member 5; minus strand), DYNC2LI1 (dynein cytoplasmic 2 light intermediate chain 1; plus strand). Cytogenetic location: 2p21.
Variant type: single nucleotide variant.
Coding change: c.1398C>T on transcript NM_022436.3 (MANE Select); coding-DNA position 1398, C replaced by T.
Protein change: p.Ala466=; no amino-acid change (alanine 466 retained).
Molecular consequence: synonymous variant. On other transcripts: intron variant (2).
Genome position (GRCh38, 1-based): chr2:43,822,862, G>A on the plus strand (C>T on the coding strand, the complement: ABCG5 is on the minus strand). VCF-style: chr2-43822862-G-A. GRCh37 (hg19) VCF-style: chr2-44050001-G-A.
Other names: c.*16-4524G>A (NM_001348913.2, NM_001348912.2).
Identifiers: ClinVar variation 500862 (VCV000500862.14), dbSNP rs373514009, ClinGen allele CA1636289.

ClinVar aggregate classification (germline): Conflicting classifications of pathogenicity. Review status: criteria provided, conflicting classifications (1 of 4 stars). 4 submissions from 4 submitters: Uncertain significance (1); Likely benign (2). 1 of the submissions does not count toward it. Last evaluated 2025-10-02.

Conditions:
Cardiovascular phenotype. Identifiers: MedGen CN230736.
ABCG5-related disorder. Also called: ABCG5-related condition.
Sitosterolemia (STSL). Also called: PHYTOSTEROLEMIA. Identifiers: Orphanet 2882, MedGen C0342907, MONDO:0008863.

Allele frequency attached by ClinVar (database versions not stated): gnomAD 0.00004; ExAC 0.00005; TOPMed 0.00003; ESP Exome Variant Server 0.00008; gnomAD exomes 0.00003 and 0.00005.
gnomAD v4.1: 51 of 1,614,044 alleles (0.0032%); highest among the groups gnomAD compares: Non-Finnish European, 0.0042%; no homozygotes.

Submissions (4):

Labcorp Genetics (formerly Invitae), Labcorp
Classification: Likely benign for Sitosterolemia. Last evaluated: 2025-10-02. Review status: criteria provided, single submitter. Criteria: Invitae Variant Classification Sherloc (09022015). Collection method: clinical testing. Allele origin: germline.

Ambry Genetics
Classification: Likely benign for Cardiovascular phenotype. Last evaluated: 2022-03-04. Review status: criteria provided, single submitter. Criteria: Ambry Variant Classification Scheme 2023. Collection method: clinical testing. Allele origin: germline.

Eurofins Ntd Llc (ga)
Classification: Uncertain significance. Last evaluated: 2017-03-14. Review status: criteria provided, single submitter. Criteria: EGL Classification Definitions 2015. Collection method: clinical testing. Allele origin: germline. Observed: 1 variant allele, 1 heterozygote.

PreventionGenetics, part of Exact Sciences
Classification: Likely benign for ABCG5-related condition. Last evaluated: 2019-03-26. Review status: no assertion criteria provided. Collection method: clinical testing. Allele origin: germline. Not counted in ClinVar's aggregate classification.
Comment: This variant is classified as likely benign based on ACMG/AMP sequence variant interpretation guidelines (Richards et al. 2015 PMID: 25741868, with internal and published modifications).